The following is an entry in ClinVar:

NM_000377.3(WAS):c.403C>T (p.Gln135Ter)

Gene: WAS (WASP actin nucleation promoting factor; plus strand). Cytogenetic location: Xp11.23.
Variant type: single nucleotide variant.
Coding change: c.403C>T on transcript NM_000377.3 (MANE Select); coding-DNA position 403, C replaced by T.
Protein change: p.Gln135Ter; replaces glutamine 135 with a stop codon.
Molecular consequence: nonsense.
Genome position (GRCh38, 1-based): chrX:48,685,776, C>T. VCF-style: chrX-48685776-C-T. GRCh37 (hg19) VCF-style: chrX-48544165-C-T.
Other names: short protein forms Q135*.
Identifiers: ClinVar variation 1879764 (VCV001879764.29), dbSNP rs1557006558, ClinGen allele CA412867733.

ClinVar aggregate classification (germline): Pathogenic (1 of 4 stars; one submission).

Submission:

CeGaT Center for Human Genetics Tuebingen
Classification: Pathogenic. Last evaluated: 2022-11-01. Review status: criteria provided, single submitter. Criteria: CeGaT Center For Human Genetics Tuebingen Variant Classification Criteria Version 2. Collection method: clinical testing. Allele origin: germline. Affected: yes. Observed: 1 variant allele.
Comment: WAS: PVS1, PM2, PS4:Supporting